The following is an entry in ClinVar:

ClinVar aggregate classification (germline): Uncertain significance (1 of 4 stars; one submission).

Conditions:
Fanconi anemia (FA). Also called: Fanconi's anemia. Identifiers: Orphanet 84, MedGen C0015625, MeSH D005199, MONDO:0019391.

Submission:

Labcorp Genetics (formerly Invitae), Labcorp
Classification: Uncertain significance for Fanconi anemia. Last evaluated: 2021-04-13. Review status: criteria provided, single submitter. Criteria: Invitae Variant Classification Sherloc (09022015). Collection method: clinical testing. Allele origin: germline.
Comment: In summary, the available evidence is currently insufficient to determine the role of this variant in disease. Therefore, it has been classified as a Variant of Uncertain Significance. Algorithms developed to predict the effect of missense changes on protein structure and function output the following: SIFT: "Tolerated"; PolyPhen-2: "Benign"; Align-GVGD: "Class C0". The valine amino acid residue is found in multiple mammalian species, suggesting that this missense change does not adversely affect protein function. These predictions have not been confirmed by published functional studies and their clinical significance is uncertain. This variant has not been reported in the literature in individuals with FANCD2-related conditions. This variant is not present in population databases (ExAC no frequency). This sequence change replaces isoleucine with valine at codon 212 of the FANCD2 protein (p.Ile212Val). The isoleucine residue is moderately conserved and there is a small physicochemical difference between isoleucine and valine.

NM_001018115.3(FANCD2):c.634A>G (p.Ile212Val)

Genes: FANCD2 (FA complementation group D2; plus strand), LOC107303338 (3p25 FANCD2 Alu-mediated recombination region; plus strand). Cytogenetic location: 3p25.3.
Variant type: single nucleotide variant.
Coding change: c.634A>G on transcript NM_001018115.3 (MANE Select); coding-DNA position 634, A replaced by G.
Protein change: p.Ile212Val; replaces isoleucine 212 with valine.
Molecular consequence: missense variant.
Genome position (GRCh38, 1-based): chr3:10,039,784, A>G. VCF-style: chr3-10039784-A-G. GRCh37 (hg19) VCF-style: chr3-10081468-A-G.
Other names: c.634A>G, p.Ile212Val (NM_001319984.2, NM_001374253.1, NM_001374254.1 and 2 more transcripts); short protein forms I212V.
Identifiers: ClinVar variation 1472986 (VCV001472986.8), dbSNP rs2124985240, ClinGen allele CA351725158.
Genomic context (GRCh38, chr3:10,039,784, plus strand): 5'-CTCACCACCAAGATCATGCAGCTGATCAGTATTGCTCCAGAGAACCTGCAGCATGACATC[A>G]TCACCAGCCTACCTGAGATCCTAGGGGATTCCCAGCACGCTGATGTGGGGAAAGAACTCA-3'
Protein context (NP_001018125.1, residues 202-222): IAPENLQHDI[Ile212Val]TSLPEILGDS